The following is an entry in ClinVar:

NM_000077.5(CDKN2A):c.458-107C>G

Gene: CDKN2A (cyclin dependent kinase inhibitor 2A; minus strand). Cytogenetic location: 9p21.3.
Variant type: single nucleotide variant.
Coding change: c.458-107C>G on transcript NM_000077.5 (MANE Select); 107 bases into the intron before coding-DNA position 458, C replaced by G.
Molecular consequence: intron variant.
Genome position (GRCh38, 1-based): chr9:21,968,349, G>C on the plus strand (C>G on the coding strand, the complement: CDKN2A is on the minus strand). VCF-style: chr9-21968349-G-C. GRCh37 (hg19) VCF-style: chr9-21968348-G-C.
Other names: c.305-107C>G (NM_001363763.2); c.*102-107C>G (NM_058195.4); c.*151-107C>G (NM_001195132.2); c.*381-107C>G (NM_058197.5).
Identifiers: ClinVar variation 3357435 (VCV003357435.2).

ClinVar aggregate classification (germline): Benign. Review status: criteria provided, single submitter (1 of 4 stars). 2 submissions from 2 submitters: Benign (1). 1 of the submissions does not count toward it. Last evaluated 2025-08-15.

Conditions:
CDKN2A-related disorder. Also called: CDKN2A-related condition.
Melanoma-pancreatic cancer syndrome. Identifiers: Orphanet 404560, MedGen C1838547, MONDO:0011713, OMIM 606719. Disease mechanism: loss of function.

gnomAD v4.1: 6 of 1,526,516 alleles (0.00039%); highest among the groups gnomAD compares: African/African-American, 0.0014%; no homozygotes.

Submissions (2):

Myriad Genetics, Inc.
Classification: Benign for Melanoma-pancreatic cancer syndrome. Last evaluated: 2025-08-15. Review status: criteria provided, single submitter. Criteria: Myriad Autosomal Dominant, Autosomal Recessive and X-Linked Classification Criteria (2023). Collection method: clinical testing. Allele origin: unknown.
Comment: This variant is considered benign. This variant is intronic and is not expected to impact mRNA splicing.

PreventionGenetics, part of Exact Sciences
Classification: Likely benign for CDKN2A-related condition. Last evaluated: 2024-05-09. Review status: no assertion criteria provided. Collection method: clinical testing. Allele origin: germline. Not counted in ClinVar's aggregate classification.
Comment: This variant is classified as likely benign based on ACMG/AMP sequence variant interpretation guidelines (Richards et al. 2015 PMID: 25741868, with internal and published modifications).